The following is an entry in ClinVar:

NM_000368.5(TSC1):c.2072T>G (p.Leu691Arg)

Gene: TSC1 (TSC complex subunit 1; minus strand). Cytogenetic location: 9q34.13.
Variant type: single nucleotide variant.
Coding change: c.2072T>G on transcript NM_000368.5 (MANE Select); coding-DNA position 2072, T replaced by G.
Protein change: p.Leu691Arg; replaces leucine 691 with arginine.
Molecular consequence: missense variant.
Genome position (GRCh38, 1-based): chr9:132,903,787, A>C on the plus strand (T>G on the coding strand, the complement: TSC1 is on the minus strand). VCF-style: chr9-132903787-A-C. GRCh37 (hg19) VCF-style: chr9-135779174-A-C.
Other names: c.2069T>G, p.Leu690Arg (NM_001162426.2, NM_001406597.1, NM_001406598.1 and 4 more transcripts); c.1919T>G, p.Leu640Arg (NM_001162427.2, NM_001406610.1); c.1709T>G, p.Leu570Arg (NM_001362177.2, NM_001406614.1, NM_001406615.1 and 5 more transcripts); c.2072T>G, p.Leu691Arg (NM_001406592.1, NM_001406593.1, NM_001406594.1 and 5 more transcripts); c.1916T>G, p.Leu639Arg (NM_001406611.1, NM_001406612.1, NM_001406613.1); c.1019T>G, p.Leu340Arg (NM_001406629.1, NM_001406630.1); c.2057T>G, p.Leu686Arg (NM_001406601.1, NM_001406602.1); c.2054T>G, p.Leu685Arg (NM_001406603.1, NM_001406604.1); and 3 more; short protein forms L373R, L639R, L686R, L690R, L691R, L374R, L570R, L640R.
Identifiers: ClinVar variation 2007606 (VCV002007606.4), dbSNP rs876658244, ClinGen allele CA375361111.

ClinVar aggregate classification (germline): Uncertain significance (1 of 4 stars; one submission).

Conditions:
Tuberous sclerosis 1 (TSC1). Identifiers: Orphanet 805, MedGen C1854465, MONDO:0008612, OMIM 191100.

Submission:

Labcorp Genetics (formerly Invitae), Labcorp
Classification: Uncertain significance for Tuberous sclerosis 1. Last evaluated: 2022-06-17. Review status: criteria provided, single submitter. Criteria: Invitae Variant Classification Sherloc (09022015). Collection method: clinical testing. Allele origin: germline.
Comment: In summary, the available evidence is currently insufficient to determine the role of this variant in disease. Therefore, it has been classified as a Variant of Uncertain Significance. Algorithms developed to predict the effect of missense changes on protein structure and function are either unavailable or do not agree on the potential impact of this missense change (SIFT: "Tolerated"; PolyPhen-2: "Probably Damaging"; Align-GVGD: "Class C0"). This variant has not been reported in the literature in individuals affected with TSC1-related conditions. This variant is not present in population databases (gnomAD no frequency). This sequence change replaces leucine, which is neutral and non-polar, with arginine, which is basic and polar, at codon 691 of the TSC1 protein (p.Leu691Arg).